The following is an entry in ClinVar:

NM_001386795.1(DTNA):c.1904-246A>T

Gene: DTNA (dystrobrevin alpha; plus strand). Cytogenetic location: 18q12.1.
Variant type: single nucleotide variant.
Coding change: c.1904-246A>T on transcript NM_001386795.1 (MANE Select); 246 bases into the intron before coding-DNA position 1904, A replaced by T.
Molecular consequence: intron variant.
Genome position (GRCh38, 1-based): chr18:34,877,473, A>T. VCF-style: chr18-34877473-A-T. GRCh37 (hg19) VCF-style: chr18-32457437-A-T.
Other names: c.1652-246A>T (NM_001386761.1, NM_032975.4); c.1649-246A>T (NM_001386762.1); c.1733-246A>T (NM_001386754.1, NM_001386755.1, NM_001386757.1 and 3 more transcripts); c.1730-246A>T (NM_001386760.1); c.1643-246A>T (NM_001386763.1, NM_001386764.1, NM_001198940.2 and 5 more transcripts); c.1640-246A>T (NM_001386768.1, NM_001386769.1); c.1664-246A>T (NM_001198939.2); c.1904-246A>T (NM_001386788.1); and 5 more.
Identifiers: ClinVar variation 678533 (VCV000678533.1), dbSNP rs693540, ClinGen allele CA14611519.

ClinVar aggregate classification (germline): Benign (1 of 4 stars; one submission).

Allele frequency attached by ClinVar (database versions not stated): 1000 Genomes Project 0.15455; 1000 Genomes Project 30x 0.16255; TOPMed 0.18145; gnomAD 0.18156 and 0.18771.
gnomAD v4.1: 27,450 of 152,046 alleles (18%); highest among the groups gnomAD compares: African/African-American, 34%; 3,232 homozygotes.

Submission:

GeneDx
Classification: Benign. Last evaluated: 2018-06-16. Review status: criteria provided, single submitter. Criteria: GeneDx Variant Classification (06012015). Collection method: clinical testing. Allele origin: germline. Affected: yes.
Comment: This variant is considered likely benign or benign based on one or more of the following criteria: it is a conservative change, it occurs at a poorly conserved position in the protein, it is predicted to be benign by multiple in silico algorithms, and/or has population frequency not consistent with disease.